The following is an entry in ClinVar:

ClinVar aggregate classification (germline): Uncertain significance (1 of 4 stars; one submission).

Submission:

Labcorp Genetics (formerly Invitae), Labcorp
Classification: Uncertain significance. Last evaluated: 2022-11-01. Review status: criteria provided, single submitter. Criteria: Invitae Variant Classification Sherloc (09022015). Collection method: clinical testing. Allele origin: germline.
Comment: In summary, the available evidence is currently insufficient to determine the role of this variant in disease. Therefore, it has been classified as a Variant of Uncertain Significance. Algorithms developed to predict the effect of missense changes on protein structure and function (SIFT, PolyPhen-2, Align-GVGD) all suggest that this variant is likely to be disruptive. ClinVar contains an entry for this variant (Variation ID: 1390575). This variant has not been reported in the literature in individuals affected with TRPM1-related conditions. This variant is not present in population databases (gnomAD no frequency). This sequence change replaces valine, which is neutral and non-polar, with alanine, which is neutral and non-polar, at codon 620 of the TRPM1 protein (p.Val620Ala).

NM_001252024.2(TRPM1):c.1925T>C (p.Val642Ala)

Gene: TRPM1 (transient receptor potential cation channel subfamily M member 1; minus strand). Cytogenetic location: 15q13.3.
Variant type: single nucleotide variant.
Coding change: c.1925T>C on transcript NM_001252024.2 (MANE Select); coding-DNA position 1925, T replaced by C.
Protein change: p.Val642Ala; replaces valine 642 with alanine.
Molecular consequence: missense variant.
Genome position (GRCh38, 1-based): chr15:31,042,113, A>G on the plus strand (T>C on the coding strand, the complement: TRPM1 is on the minus strand). VCF-style: chr15-31042113-A-G. GRCh37 (hg19) VCF-style: chr15-31334316-A-G.
Other names: c.1976T>C, p.Val659Ala (NM_001252020.2); c.1859T>C, p.Val620Ala (NM_002420.6); short protein forms V620A, V659A, V642A.
Identifiers: ClinVar variation 1390575 (VCV001390575.6), dbSNP rs2140930253, ClinGen allele CA391512165.